The following is an entry in ClinVar:

ClinVar aggregate classification (germline): Uncertain significance. Review status: criteria provided, multiple submitters, no conflicts (2 of 4 stars). 6 submissions from 6 submitters: Uncertain significance (6). Last evaluated 2025-10-09.

Conditions:
Cardiovascular phenotype. Identifiers: MedGen CN230736.
Myofibrillar myopathy 5. Also called: Filaminopathy (type); FILAMINOPATHY, AUTOSOMAL DOMINANT. Identifiers: Orphanet 171445, MedGen C1836050, MONDO:0012289, OMIM 609524.
Distal myopathy with posterior leg and anterior hand involvement. Also called: WILLIAMS DISTAL MYOPATHY. Identifiers: Orphanet 63273, MedGen C3279722, MONDO:0013550, OMIM 614065.
Hypertrophic cardiomyopathy 26. Also called: Cardiomyopathy, familial hypertrophic, 26. Identifiers: Orphanet 75249, MedGen C4310749, MONDO:0014883, OMIM 617047.

gnomAD v4.1: 6 of 1,613,870 alleles (0.00037%); highest among the groups gnomAD compares: Non-Finnish European, 0.00042%; no homozygotes.

Submissions (6):

Women's Health and Genetics/Laboratory Corporation of America, LabCorp
Classification: Uncertain significance. Last evaluated: 2025-10-09. Review status: criteria provided, single submitter. Criteria: LabCorp Variant Classification Summary - May 2015. Collection method: clinical testing. Allele origin: germline.
Comment: Variant summary: FLNC c.3475C>G (p.Arg1159Gly) results in a non-conservative amino acid change in the encoded protein sequence. Algorithms developed to predict the effect of missense changes on protein structure and function all suggest that this variant is likely to be disruptive. The variant was absent in 249200 control chromosomes. The available data on variant occurrences in the general population are insufficient to allow any conclusion about variant significance. To our knowledge, no occurrence of c.3475C>G in individuals affected with FLNC-related conditions and no experimental evidence demonstrating its impact on protein function have been reported. ClinVar contains an entry for this variant (Variation ID: 1333871). Based on the evidence outlined above, the variant was classified as uncertain significance.

Labcorp Genetics (formerly Invitae), Labcorp
Classification: Uncertain significance for Distal myopathy with posterior leg and anterior hand involvement; Myofibrillar myopathy 5; Hypertrophic cardiomyopathy 26. Last evaluated: 2025-09-16. Review status: criteria provided, single submitter. Criteria: Invitae Variant Classification Sherloc (09022015). Collection method: clinical testing. Allele origin: germline.
Comment: This sequence change replaces arginine, which is basic and polar, with glycine, which is neutral and non-polar, at codon 1159 of the FLNC protein (p.Arg1159Gly). This variant is not present in population databases (gnomAD no frequency). This variant has not been reported in the literature in individuals affected with FLNC-related conditions. ClinVar contains an entry for this variant (Variation ID: 1333871). Invitae Evidence Modeling of protein sequence and biophysical properties (such as structural, functional, and spatial information, amino acid conservation, physicochemical variation, residue mobility, and thermodynamic stability) has been performed for this missense variant. However, the output from this modeling did not meet the statistical confidence thresholds required to predict the impact of this variant on FLNC protein function. In summary, the available evidence is currently insufficient to determine the role of this variant in disease. Therefore, it has been classified as a Variant of Uncertain Significance.

Molecular Diagnostic Laboratory for Inherited Cardiovascular Disease, Montreal Heart Institute
Classification: Uncertain significance for Cardiovascular phenotype. Last evaluated: 2025-04-09. Review status: criteria provided, single submitter. Criteria: ACMG Guidelines, 2015. Collection method: clinical testing. Allele origin: germline. Affected: yes.

Blueprint Genetics
Classification: Uncertain significance. Last evaluated: 2024-04-12. Review status: criteria provided, single submitter. Criteria: ACMG Guidelines, 2015. Collection method: clinical testing. Allele origin: germline.

Ambry Genetics
Classification: Uncertain significance for Cardiovascular phenotype. Last evaluated: 2022-07-14. Review status: criteria provided, single submitter. Criteria: Ambry Variant Classification Scheme 2023. Collection method: clinical testing. Allele origin: germline.
Comment: The p.R1159G variant (also known as c.3475C>G), located in coding exon 21 of the FLNC gene, results from a C to G substitution at nucleotide position 3475. The arginine at codon 1159 is replaced by glycine, an amino acid with dissimilar properties. This amino acid position is conserved. In addition, the in silico prediction for this alteration is inconclusive. Since supporting evidence is limited at this time, the clinical significance of this alteration remains unclear.

CENTOGENE GmbH and LLC - Guiding Precision Medicine
Classification: Uncertain significance for Myofibrillar myopathy 5. Last evaluated: 2020-06-08. Review status: criteria provided, single submitter. Criteria: ACMG Guidelines, 2015. Collection method: clinical testing. Allele origin: paternal.

NM_001458.5(FLNC):c.3475C>G (p.Arg1159Gly)

Gene: FLNC (filamin C; plus strand). Cytogenetic location: 7q32.1.
Variant type: single nucleotide variant.
Coding change: c.3475C>G on transcript NM_001458.5 (MANE Select); coding-DNA position 3475, C replaced by G.
Protein change: p.Arg1159Gly; replaces arginine 1159 with glycine.
Molecular consequence: missense variant.
Genome position (GRCh38, 1-based): chr7:128,844,940, C>G. VCF-style: chr7-128844940-C-G. GRCh37 (hg19) VCF-style: chr7-128484994-C-G.
Other names: c.3475C>G, p.Arg1159Gly (NM_001127487.2); short protein forms R1159G.
Identifiers: ClinVar variation 1333871 (VCV001333871.9), dbSNP rs760500171, ClinGen allele CA166178646.
Genomic context (GRCh38, chr7:128,844,940, plus strand): 5'-CACATCCCTGGCTCGCCCTTCAAAGCCACCATTCGGCCTGTGTTTGACCCGAGCAAGGTG[C>G]GGGCCAGTGGACCGGGCCTGGAGCGCGGCAAGGTCGGTGAGGCAGCCACCTTCACTGTGG-3'
Protein context (NP_001449.3, residues 1149-1169): IRPVFDPSKV[Arg1159Gly]ASGPGLERGK